The following is an entry in ClinVar:

ClinVar aggregate classification (germline): Benign/Likely benign. Review status: criteria provided, multiple submitters, no conflicts (2 of 4 stars). 3 submissions from 3 submitters: Benign (1); Likely benign (2). Last evaluated 2025-05-05.

Conditions:
Familial cancer of breast. Also called: Hereditary breast cancer; BREAST CANCER, FAMILIAL; hereditary breast carcinoma. Identifiers: Orphanet 227535, MedGen C0346153, MONDO:0016419, OMIM 114480. Disease mechanism: loss of function.
Hereditary cancer-predisposing syndrome. Also called: Hereditary neoplastic syndrome; Tumor predisposition; Neoplastic Syndromes, Hereditary; Hereditary Cancer Syndrome. Identifiers: Orphanet 140162, MedGen C0027672, MeSH D009386, MONDO:0015356.
Ataxia-telangiectasia syndrome (AT). Also called: LOUIS-BAR SYNDROME; Ataxia telangiectasia (A-T); Cerebello-oculocutaneous telangiectasia; Immunodeficiency with ataxia telangiectasia; Ataxia-telangiectasia; Ataxia-telangiectasia, complementation group D. Identifiers: Orphanet 100, MedGen C0004135, MONDO:0008840, OMIM 208900.

Submissions (3):

Ambry Genetics
Classification: Likely benign for Hereditary cancer-predisposing syndrome. Last evaluated: 2025-05-05. Review status: criteria provided, single submitter. Criteria: Ambry Variant Classification Scheme 2023. Collection method: clinical testing. Allele origin: germline.

Labcorp Genetics (formerly Invitae), Labcorp
Classification: Likely benign for Ataxia-telangiectasia syndrome. Last evaluated: 2024-07-29. Review status: criteria provided, single submitter. Criteria: Invitae Variant Classification Sherloc (09022015). Collection method: clinical testing. Allele origin: germline.

Myriad Genetics, Inc.
Classification: Benign for Familial cancer of breast. Last evaluated: 2024-05-15. Review status: criteria provided, single submitter. Criteria: Myriad Autosomal Dominant, Autosomal Recessive and X-Linked Classification Criteria (2023). Collection method: clinical testing. Allele origin: unknown.
Comment: This variant is considered benign. This variant is a silent/synonymous amino acid change and it is not expected to impact splicing.

NM_000051.4(ATM):c.3753T>C (p.Cys1251=)

Gene: ATM (ATM serine/threonine kinase; plus strand). Cytogenetic location: 11q22.3.
Variant type: single nucleotide variant.
Coding change: c.3753T>C on transcript NM_000051.4 (MANE Select); coding-DNA position 3753, T replaced by C.
Protein change: p.Cys1251=; no amino-acid change (cysteine 1251 retained).
Molecular consequence: synonymous variant.
Genome position (GRCh38, 1-based): chr11:108,284,233, T>C. VCF-style: chr11-108284233-T-C. GRCh37 (hg19) VCF-style: chr11-108154960-T-C.
Other names: c.3753T>C (NM_000051.3); c.3753T>C, p.Cys1251= (NM_001351834.2).
Identifiers: ClinVar variation 1144209 (VCV001144209.11), dbSNP rs2135704274, ClinGen allele CA476744945.
Genomic context (GRCh38, chr11:108,284,233, plus strand): 5'-ATTTTACTTGGAAAAGTTATATATAACCTGTATTTTAAATTTTTCTATTTTTAGATCTTG[T>C]TATAAGGTTTTGATTCCACATCTGGTGATTAGAAGTCATTTTGATGAGGTGAAGTCCATT-3'
Protein context (NP_000042.3, residues 1241-1261): YTNIEDFYRS[Cys1251=]YKVLIPHLVI